The following is an entry in ClinVar:

ClinVar aggregate classification (germline): Uncertain significance (1 of 4 stars; one submission).

Submission:

Dasa
Classification: Uncertain significance. Last evaluated: 2025-10-25. Review status: criteria provided, single submitter. Criteria: DASA Assertion Criteria. Collection method: clinical testing. Allele origin: germline.
Comment: NM_052867.4(NALCN):c.3590A>G (p.Asp1197Gly) is a missense variant that results in the substitution of aspartic acid with glycine. This variant is absent from population databases. The currently available literature and clinical evidence are not sufficient to establish a definitive association between this variant and the reported condition. Therefore, this variant is classified as a variant of uncertain significance.

NM_052867.4(NALCN):c.3590A>G (p.Asp1197Gly)

Gene: NALCN (sodium leak channel, non-selective; minus strand). Cytogenetic location: 13q32.3.
Variant type: single nucleotide variant.
Coding change: c.3590A>G on transcript NM_052867.4 (MANE Select); coding-DNA position 3590, A replaced by G.
Protein change: p.Asp1197Gly; replaces aspartic acid 1197 with glycine.
Molecular consequence: missense variant.
Genome position (GRCh38, 1-based): chr13:101,083,192, T>C on the plus strand (A>G on the coding strand, the complement: NALCN is on the minus strand). VCF-style: chr13-101083192-T-C. GRCh37 (hg19) VCF-style: chr13-101735543-T-C.
Other names: c.3677A>G, p.Asp1226Gly (NM_001350748.2); c.3590A>G, p.Asp1197Gly (NM_001350749.2); c.3503A>G, p.Asp1168Gly (NM_001350750.2, NM_001350751.2); short protein forms D1168G, D1197G, D1226G.
Identifiers: ClinVar variation 4885771 (VCV004885771.2).